The following is an entry in ClinVar:

NM_000368.5(TSC1):c.1321G>A (p.Asp441Asn)

Gene: TSC1 (TSC complex subunit 1; minus strand). Cytogenetic location: 9q34.13.
Variant type: single nucleotide variant.
Coding change: c.1321G>A on transcript NM_000368.5 (MANE Select); coding-DNA position 1321, G replaced by A.
Protein change: p.Asp441Asn; replaces aspartic acid 441 with asparagine.
Molecular consequence: missense variant. On other transcripts: non-coding transcript variant (5).
Genome position (GRCh38, 1-based): chr9:132,907,313, C>T on the plus strand (G>A on the coding strand, the complement: TSC1 is on the minus strand). VCF-style: chr9-132907313-C-T. GRCh37 (hg19) VCF-style: chr9-135782700-C-T.
Other names: c.1318G>A, p.Asp440Asn (NM_001162426.2, NM_001406597.1, NM_001406598.1 and 6 more transcripts); c.1168G>A, p.Asp390Asn (NM_001162427.2, NM_001406610.1); c.958G>A, p.Asp320Asn (NM_001362177.2, NM_001406614.1, NM_001406615.1 and 5 more transcripts); c.1321G>A, p.Asp441Asn (NM_001406592.1, NM_001406593.1, NM_001406594.1 and 7 more transcripts); c.1165G>A, p.Asp389Asn (NM_001406611.1, NM_001406612.1, NM_001406613.1); c.955G>A, p.Asp319Asn (NM_001406620.1, NM_001406621.1, NM_001406622.1 and 2 more transcripts); c.370G>A, p.Asp124Asn (NM_001406626.1); c.367G>A, p.Asp123Asn (NM_001406627.1, NM_001406628.1); and 1 more; short protein forms D123N, D124N, D319N, D320N, D389N, D390N, D440N, D441N.
Identifiers: ClinVar variation 3340985 (VCV003340985.1).

ClinVar aggregate classification (germline): Uncertain significance (1 of 4 stars; one submission).

Submission:

GeneDx
Classification: Uncertain significance. Last evaluated: 2024-02-04. Review status: criteria provided, single submitter. Criteria: GeneDx Variant Classification Process June 2021. Collection method: clinical testing. Allele origin: germline. Affected: yes.
Comment: Not observed at significant frequency in large population cohorts (gnomAD); In silico analysis supports that this missense variant does not alter protein structure/function; Has not been previously published as pathogenic or benign to our knowledge